The following is an entry in ClinVar:

NM_001377.3(DYNC2H1):c.10773G>A (p.Thr3591=)

Gene: DYNC2H1 (dynein cytoplasmic 2 heavy chain 1; plus strand). Cytogenetic location: 11q22.3.
Variant type: single nucleotide variant.
Coding change: c.10773G>A on transcript NM_001377.3 (MANE Select); coding-DNA position 10773, G replaced by A.
Protein change: p.Thr3591=; no amino-acid change (threonine 3591 retained).
Molecular consequence: synonymous variant.
Genome position (GRCh38, 1-based): chr11:103,282,190, G>A. VCF-style: chr11-103282190-G-A. GRCh37 (hg19) VCF-style: chr11-103152919-G-A.
Other names: p.Thr3598=; c.10794G>A, p.Thr3598= (NM_001080463.2).
Identifiers: ClinVar variation 302096 (VCV000302096.28), dbSNP rs12574626, ClinGen allele CA6255055.

ClinVar aggregate classification (germline): Benign. Review status: criteria provided, multiple submitters, no conflicts (2 of 4 stars). 9 submissions from 9 submitters: Benign (6). 3 of the submissions do not count toward it. Last evaluated 2026-02-04.

Conditions:
Jeune thoracic dystrophy. Also called: Infantile thoracic dystrophy; Thoracic pelvic phalangeal dystrophy; Jeune's syndrome; Chondroectodermal dysplasia-like syndrome; Short-rib thoracic dysplasia; Jeune syndrome. Identifiers: Orphanet 474, MedGen C0265275, MONDO:0018770.
Asphyxiating thoracic dystrophy 3. Also called: SHORT-RIB THORACIC DYSPLASIA 3 WITH OR WITHOUT POLYDACTYLY; POLYDACTYLY WITH NEONATAL CHONDRODYSTROPHY, TYPE I; SHORT-RIB THORACIC DYSPLASIA 3/6 WITH POLYDACTYLY, DIGENIC; Short rib polydactyly syndrome 2B; Saldino-Noonan Syndrome. Identifiers: Orphanet 474, Orphanet 93269, Orphanet 93270, Orphanet 93271, MedGen C0036069, MONDO:0013127, OMIM 613091.

Allele frequency attached by ClinVar (database versions not stated): ExAC 0.13676; gnomAD 0.18912 and 0.19492; TOPMed 0.18948; ESP Exome Variant Server 0.19203; 1000 Genomes Project 0.19369; 1000 Genomes Project 30x 0.20315.
gnomAD v4.1: 209,898 of 1,604,192 alleles (13%); highest among the groups gnomAD compares: African/African-American, 36%; 16,323 homozygotes.

Submissions (9):

Labcorp Genetics (formerly Invitae), Labcorp
Classification: Benign for Jeune thoracic dystrophy. Last evaluated: 2026-02-04. Review status: criteria provided, single submitter. Criteria: Invitae Variant Classification Sherloc (09022015). Collection method: clinical testing. Allele origin: germline.

Blueprint Genetics
Classification: Benign. Last evaluated: 2024-11-27. Review status: criteria provided, single submitter. Criteria: ACMG Guidelines, 2015. Collection method: clinical testing. Allele origin: germline.

Mayo Clinic Laboratories, Mayo Clinic
Classification: Benign. Last evaluated: 2022-03-09. Review status: criteria provided, single submitter. Criteria: ACMG Guidelines, 2015. Collection method: clinical testing. Allele origin: germline. Observed: 25 variant alleles.

Illumina Laboratory Services, Illumina
Classification: Benign for Asphyxiating thoracic dystrophy 3. Last evaluated: 2018-01-12. Review status: criteria provided, single submitter. Criteria: ICSL Variant Classification Criteria 13 December 2019. Collection method: clinical testing. Allele origin: germline.
Comment: This variant was observed in the ICSL laboratory as part of a predisposition screen in an ostensibly healthy population. It had not been previously curated by ICSL or reported in the Human Gene Mutation Database (HGMD: prior to June 1st, 2018), and was therefore a candidate for classification through an automated scoring system. Utilizing variant allele frequency, disease prevalence and penetrance estimates, and inheritance mode, an automated score was calculated to assess if this variant is too frequent to cause the disease. Based on the score and internal cut-off values, a variant classified as benign is not then subjected to further curation. The score for this variant resulted in a classification of benign for this disease.

GeneDx
Classification: Benign. Last evaluated: 2016-03-29. Review status: criteria provided, single submitter. Criteria: GeneDx Variant Classification (06012015). Collection method: clinical testing. Allele origin: germline. Affected: yes.
Comment: This variant is considered likely benign or benign based on one or more of the following criteria: it is a conservative change, it occurs at a poorly conserved position in the protein, it is predicted to be benign by multiple in silico algorithms, and/or has population frequency not consistent with disease.

Breakthrough Genomics
Classification: Benign. Review status: criteria provided, single submitter. Criteria: ACMG Guidelines, 2015. Collection method: not provided. Allele origin: germline. Inheritance: Autosomal recessive inheritance. Affected: yes.

Clinical Genetics DNA and cytogenetics Diagnostics Lab, Erasmus MC, Erasmus Medical Center
Classification: Benign. Review status: no assertion criteria provided. Collection method: clinical testing. Allele origin: germline. Affected: yes. Study: VKGL Data-share Consensus. Not counted in ClinVar's aggregate classification.

Diagnostic Laboratory, Department of Genetics, University Medical Center Groningen
Classification: Benign. Review status: no assertion criteria provided. Collection method: clinical testing. Allele origin: germline. Affected: yes. Study: VKGL Data-share Consensus. Not counted in ClinVar's aggregate classification.

Joint Genome Diagnostic Labs from Nijmegen and Maastricht, Radboudumc and MUMC+
Classification: Benign. Review status: no assertion criteria provided. Collection method: clinical testing. Allele origin: germline. Affected: yes. Study: VKGL Data-share Consensus. Not counted in ClinVar's aggregate classification.